The following is an entry in ClinVar:

ClinVar aggregate classification (germline): Conflicting classifications of pathogenicity. Review status: criteria provided, conflicting classifications (1 of 4 stars). 13 submissions from 13 submitters: Uncertain significance (1); Benign (1); Likely benign (9). 2 of the submissions do not count toward it. Last evaluated 2026-01-31.

Conditions:
Wilson disease (WND). Also called: Wilson's disease. Identifiers: Orphanet 905, MedGen C0019202, MONDO:0010200, OMIM 277900. Disease mechanism: loss of function.
ATP7B-related disorder. Also called: ATP7B-related condition.
Inborn genetic diseases. Identifiers: MedGen C0950123, MeSH D030342.

Allele frequency attached by ClinVar (database versions not stated): gnomAD exomes 0.00010 and 0.00017; gnomAD 0.00011 and 0.00009; TOPMed 0.00012; ExAC 0.00017; ESP Exome Variant Server 0.00024.

Submissions (13):

Labcorp Genetics (formerly Invitae), Labcorp
Classification: Benign for Wilson disease. Last evaluated: 2026-01-31. Review status: criteria provided, single submitter. Criteria: Invitae Variant Classification Sherloc (09022015). Collection method: clinical testing. Allele origin: germline.

PreventionGenetics, part of Exact Sciences
Classification: Likely benign for ATP7B-related condition. Last evaluated: 2026-01-13. Review status: criteria provided, single submitter. Criteria: ACMG Guidelines, 2015. Collection method: clinical testing. Allele origin: germline.
Comment: This variant is classified as likely benign based on ACMG/AMP sequence variant interpretation guidelines (Richards et al. 2015 PMID: 25741868, with internal and published modifications).

CeGaT Center for Human Genetics Tuebingen
Classification: Likely benign. Last evaluated: 2025-11-01. Review status: criteria provided, single submitter. Criteria: CeGaT Center For Human Genetics Tuebingen Variant Classification Criteria Version 2. Collection method: clinical testing. Allele origin: germline. Affected: yes. Observed: 4 variant alleles.
Comment: ATP7B: BP4, BP7

Blueprint Genetics
Classification: Likely benign. Last evaluated: 2024-08-09. Review status: criteria provided, single submitter. Criteria: ACMG Guidelines, 2015. Collection method: clinical testing. Allele origin: germline.

All of Us Research Program, National Institutes of Health
Classification: Likely benign for Wilson disease. Last evaluated: 2023-12-18. Review status: criteria provided, single submitter. Criteria: ACMG Guidelines, 2015. Collection method: clinical testing. Allele origin: germline. Inheritance: Autosomal recessive inheritance. Observed: 60 variant alleles, 60 heterozygotes.
Comment: This study involves interpretation of variants in research participants for the purpose of population health screening. Participant phenotype was not available at the time of variant classification. Additional details can be found in publication PMID: 35346344, PMCID: PMC8962531

Women's Health and Genetics/Laboratory Corporation of America, LabCorp
Classification: Likely benign. Last evaluated: 2022-11-13. Review status: criteria provided, single submitter. Criteria: LabCorp Variant Classification Summary - May 2015. Collection method: clinical testing. Allele origin: germline.

Color Diagnostics, LLC DBA Color Health
Classification: Likely benign for Wilson disease. Last evaluated: 2022-09-20. Review status: criteria provided, single submitter. Criteria: ACMG Guidelines, 2015. Collection method: clinical testing. Allele origin: germline.

Genome-Nilou Lab
Classification: Likely benign for Wilson disease. Last evaluated: 2021-08-10. Review status: criteria provided, single submitter. Criteria: ACMG Guidelines, 2015. Collection method: clinical testing. Allele origin: germline. Affected: no.

Ambry Genetics
Classification: Likely benign for Inborn genetic diseases. Last evaluated: 2020-02-14. Review status: criteria provided, single submitter. Criteria: Ambry Variant Classification Scheme 2023. Collection method: clinical testing. Allele origin: germline.

GeneDx
Classification: Likely benign. Last evaluated: 2019-12-19. Review status: criteria provided, single submitter. Criteria: GeneDx Variant Classification Process June 2021. Collection method: clinical testing. Allele origin: germline. Affected: yes.

Illumina Laboratory Services, Illumina
Classification: Uncertain significance for Wilson disease. Last evaluated: 2018-01-13. Review status: criteria provided, single submitter. Criteria: ICSL Variant Classification Criteria 13 December 2019. Collection method: clinical testing. Allele origin: germline.

Natera, Inc.
Classification: Likely benign for Wilson disease. Last evaluated: 2020-02-03. Review status: no assertion criteria provided. Collection method: clinical testing. Allele origin: germline. Not counted in ClinVar's aggregate classification.

Department of Pathology and Laboratory Medicine, Sinai Health System
Classification: Uncertain significance. Review status: no assertion criteria provided. Collection method: clinical testing. Allele origin: unknown. Affected: yes. Study: The Canadian Open Genetics Repository (COGR). Not counted in ClinVar's aggregate classification.
Comment: multiple AR variants in same gene - keep for nowA synonymous variant not located in a splice region.1 reputable source/s reports the variant as benign, but the evidence is not available to the laboratory to perform an independent evaluation.Allele frequency in the general population is extremely low (0.338%, gnomAD_ExomesFounderPop) with recommended threshold of 0.243% in the general population.3 pathogenic variants with a higher frequency threshold than recommended are known in this gene, including:chr13:52520508:G>A, frequency: 0.243%chr13:52523859:G>A, frequency: 0.235%chr13:52535985:A>C, frequency: 0.232%

NM_000053.4(ATP7B):c.3396C>T (p.Ser1132=)

Gene: ATP7B (ATPase copper transporting beta; minus strand). Cytogenetic location: 13q14.3.
Variant type: single nucleotide variant.
Coding change: c.3396C>T on transcript NM_000053.4 (MANE Select); coding-DNA position 3396, C replaced by T.
Protein change: p.Ser1132=; no amino-acid change (serine 1132 retained).
Molecular consequence: synonymous variant.
Genome position (GRCh38, 1-based): chr13:51,942,402, G>A on the plus strand (C>T on the coding strand, the complement: ATP7B is on the minus strand). VCF-style: chr13-51942402-G-A. GRCh37 (hg19) VCF-style: chr13-52516538-G-A.
Other names: c.2775C>T, p.Ser925= (NM_001005918.3); c.3063C>T, p.Ser1021= (NM_001243182.2); c.3162C>T, p.Ser1054= (NM_001330578.2); c.3144C>T, p.Ser1048= (NM_001330579.2).
Identifiers: ClinVar variation 312381 (VCV000312381.64), dbSNP rs370947152, ClinGen allele CA6988720.